The following is an entry in ClinVar:

ClinVar aggregate classification (germline): Pathogenic/Likely pathogenic. Review status: criteria provided, multiple submitters, no conflicts (2 of 4 stars). 6 submissions from 6 submitters: Pathogenic (2); Likely pathogenic (4). Last evaluated 2026-01-26.

Conditions:
Hereditary cancer-predisposing syndrome. Also called: Neoplastic Syndromes, Hereditary; Hereditary Cancer Syndrome; Tumor predisposition; Hereditary neoplastic syndrome. Identifiers: Orphanet 140162, MedGen C0027672, MeSH D009386, MONDO:0015356.
Hereditary pheochromocytoma and paraganglioma. Also called: Hereditary Paraganglioma-Pheochromocytoma Syndromes; Hereditary paragangliomas and pheochromocytomas; Hereditary pheochromocytoma-paraganglioma. Identifiers: Orphanet 29072, MedGen C4274332, MONDO:0017366.
Pheochromocytoma/paraganglioma syndrome 2. Also called: GLOMUS TUMORS, FAMILIAL, 2; Paragangliomas 2; SDHAF2-Related Hereditary Paraganglioma-Pheochromocytoma Syndrome (Paragangliomas 2); SDHAF2-Related Hereditary Paraganglioma-Pheochromocytoma Syndrome. Identifiers: Orphanet 29072, MedGen C1866552, MONDO:0011121, OMIM 601650.

Allele frequency attached by ClinVar (database versions not stated): gnomAD exomes below 0.00001; ExAC 0.00001; gnomAD 0.00001; TOPMed 0.00001; 1000 Genomes Project 30x 0.00016.

Submissions (6):

Labcorp Genetics (formerly Invitae), Labcorp
Classification: Pathogenic for Hereditary pheochromocytoma and paraganglioma. Last evaluated: 2026-01-26. Review status: criteria provided, single submitter. Criteria: Invitae Variant Classification Sherloc (09022015). Collection method: clinical testing. Allele origin: germline.
Comment: This sequence change creates a premature translational stop signal (p.Asn103Glufs*4) in the SDHAF2 gene. It is expected to result in an absent or disrupted protein product. Loss-of-function variants in SDHAF2 are known to be pathogenic (PMID: 22241717, 26096992). This variant is present in population databases (rs753554501, gnomAD 0.007%). This variant has not been reported in the literature in individuals affected with SDHAF2-related conditions. ClinVar contains an entry for this variant (Variation ID: 532508). Algorithms developed to predict the effect of sequence changes on RNA splicing suggest that this variant may disrupt the consensus splice site. For these reasons, this variant has been classified as Pathogenic.

GeneDx
Classification: Likely pathogenic. Last evaluated: 2025-06-05. Review status: criteria provided, single submitter. Criteria: GeneDx Variant Classification Process June 2021. Collection method: clinical testing. Allele origin: germline. Affected: yes.
Comment: Frameshift variant predicted to result in abnormal protein length as the last 64 amino acids are replaced with 3 different amino acids, and other similar variants have been reported in HGMD; Observed in an individual from an unselected population cohort undergoing genomic testing (PMID: 35668420); Not observed at significant frequency in large population cohorts (gnomAD); This variant is associated with the following publications: (PMID: 31687641, 35287663, 35668420)

Variantyx, Inc.
Classification: Likely pathogenic for Pheochromocytoma/paraganglioma syndrome 2. Last evaluated: 2025-03-03. Review status: criteria provided, single submitter. Criteria: Variantyx Assertion Criteria 2022. Collection method: clinical testing. Allele origin: germline. Inheritance: Autosomal dominant inheritance. Affected: yes.
Comment: This is a frameshift variant in the SDHAF2 gene (OMIM: 613019). Pathogenic variants in this gene have been associated with autosomal dominant pheochromocytoma/paraganglioma syndrome 2. This variant introduces a premature termination codon in exon 3 out of 4 and is expected to result in loss of function, which is a known disease mechanism for SDHAF2 in this disorder (PMID: 22241717, 26096992) (PVS1). This variant has a 0.0024% maximum allele frequency in non-founder control populations (PM2). Based on the current evidence, this variant is classified as likely pathogenic for autosomal dominant pheochromocytoma/paraganglioma syndrome 2.

Baylor Genetics
Classification: Likely pathogenic for Pheochromocytoma/paraganglioma syndrome 2. Last evaluated: 2024-01-09. Review status: criteria provided, single submitter. Criteria: ACMG Guidelines, 2015. Collection method: clinical testing. Allele origin: unknown.

Ambry Genetics
Classification: Pathogenic for Hereditary cancer-predisposing syndrome. Last evaluated: 2023-08-22. Review status: criteria provided, single submitter. Criteria: Ambry Variant Classification Scheme 2023. Collection method: clinical testing. Allele origin: germline.
Comment: The c.305_306insA pathogenic mutation, located in coding exon 3 of the SDHAF2 gene, results from an insertion of one nucleotide at position 305, causing a translational frameshift with a predicted alternate stop codon (p.N103Efs*4). This alteration occurs at the 3' terminus of the SDHAF2 gene, is not expected to trigger nonsense-mediated mRNA decay, and only impacts the last 65 amino acids of the protein. However, premature stop codons are typically deleterious in nature, the impacted region is critical for protein function, and a significant portion of the protein is affected (Ambry internal data). This alteration has been observed in at least one individual with a personal and/or family history that is consistent with SDHAF2-related disease (Ambry internal data). Based on the supporting evidence, this alteration is interpreted as a disease-causing mutation.

Laboratory for Molecular Medicine, Mass General Brigham Personalized Medicine
Classification: Likely pathogenic for Hereditary pheochromocytoma and paraganglioma. Last evaluated: 2023-05-17. Review status: criteria provided, single submitter. Criteria: ACMG Guidelines, 2015. Collection method: clinical testing. Allele origin: germline.
Comment: The p.Asn103Glufs*4 variant in SDHAF2 has not been previously reported in individuals with SDHAF2-related cancers but has been reported in one unaffected individual who had a family history of hereditary paraganglioma and pheochromocytoma syndrome (Savatt 2022 PMID: 35668420). It was also identified in 0.002% (1/41452) of African/African American chromosomes by gnomAD. This variant has also been reported in ClinVar (Variation ID 532508). This nonsense variant leads to a premature termination codon at position 107. This alteration occurs within the terminal 50 bases of the second to last exon and is, therefore, likely to escape nonsense mediated decay (NMD) and result in a truncated product with loss of ~36% of the protein. At least two likely pathogenic variants downstream of this variant (p.Trp121Ter and p.Trp116Ter) have been identified in individuals with head and neck paraganglioma (Curras-Freixes 2015 PMID: 26269449, Wolf 2019 PMID: 31687641). Loss of function of the SDHAF2 gene is an established mechanism of disease. In summary, although additional studies are required to fully establish its clinical significance, this variant meets criteria to be classified as likely pathogenic for autosomal dominant hereditary pheochromocytoma and paraganglioma syndrome. ACMG/AMP Criteria applied: PVS1, PM2_Supporting.

Literature cited by the submitters: PubMed 22241717 (cited by Labcorp Genetics (formerly Invitae), Labcorp and Variantyx, Inc.); PubMed 26096992 (cited by Labcorp Genetics (formerly Invitae), Labcorp and Variantyx, Inc.); PubMed 31687641 (cited by Ambry Genetics); PubMed 35668420 (cited by Ambry Genetics and Laboratory for Molecular Medicine, Mass General Brigham Personalized Medicine).

NM_017841.4(SDHAF2):c.305_306insA (p.Asn103fs)

Gene: SDHAF2 (succinate dehydrogenase complex assembly factor 2; plus strand). Cytogenetic location: 11q12.2.
Variant type: Insertion.
Coding change: c.305_306insA on transcript NM_017841.4 (MANE Select); coding-DNA positions 305 to 306, A inserted.
Protein change: p.Asn103fs; shifts the reading frame from asparagine 103.
Molecular consequence: frameshift variant.
Genome position: GRCh38 VCF-style: chr11-61438048-T-TA. GRCh37 (hg19) VCF-style: chr11-61205520-T-TA.
Other names: short protein forms N103fs.
Identifiers: ClinVar variation 532508 (VCV000532508.20), dbSNP rs753554501, ClinGen allele CA058404.